The following is an entry in ClinVar:

NM_173495.3(PTCHD1):c.2166G>A (p.Leu722=)

Gene: PTCHD1 (patched domain containing 1; plus strand). Cytogenetic location: Xp22.11.
Variant type: single nucleotide variant.
Coding change: c.2166G>A on transcript NM_173495.3 (MANE Select); coding-DNA position 2166, G replaced by A.
Protein change: p.Leu722=; no amino-acid change (leucine 722 retained).
Molecular consequence: synonymous variant.
Genome position (GRCh38, 1-based): chrX:23,393,684, G>A. VCF-style: chrX-23393684-G-A. GRCh37 (hg19) VCF-style: chrX-23411801-G-A.
Identifiers: ClinVar variation 4874885 (VCV004874885.2).
Genomic context (GRCh38, chrX:23,393,684, plus strand): 5'-CTCCTGCATCAGTGCTTTGTTCCTGCTCTTCTTCTCGGCATTCCTGGTGGCAGATTCACT[G>A]ATTAACGTCTGGATCACTCTCACAGTTGTGTCCGTGGAGTTTGGAGTGATAGGTTTCATG-3'
Protein context (NP_775766.2, residues 712-732): FFSAFLVADS[Leu722=]INVWITLTVV

ClinVar aggregate classification (germline): Likely benign (1 of 4 stars; one submission).

gnomAD v4.1: 24 of 1,210,245 alleles (0.002%); highest among the groups gnomAD compares: African/African-American, 0.03%; no homozygotes.

Submission:

CeGaT Center for Human Genetics Tuebingen
Classification: Likely benign. Last evaluated: 2026-05-01. Review status: criteria provided, single submitter. Criteria: CeGaT Center For Human Genetics Tuebingen Variant Classification Criteria Version 2. Collection method: clinical testing. Allele origin: germline. Affected: yes. Observed: 1 variant allele.
Comment: PTCHD1: BP4, BP7, BS2